The following is an entry in ClinVar:

ClinVar aggregate classification (germline): Likely benign (0 of 4 stars; one submission).

Conditions:
RHBDF2-related disorder. Also called: RHBDF2-related condition.

Allele frequency attached by ClinVar (database versions not stated): ExAC 0.00001; gnomAD exomes 0.00001; gnomAD 0.00007; TOPMed 0.00010; ESP Exome Variant Server 0.00023.
gnomAD v4.1: 24 of 1,613,856 alleles (0.0015%); highest among the groups gnomAD compares: African/African-American, 0.031%; no homozygotes.

Submission:

PreventionGenetics, part of Exact Sciences
Classification: Likely benign for RHBDF2-related condition. Last evaluated: 2019-02-21. Review status: no assertion criteria provided. Collection method: clinical testing. Allele origin: germline.
Comment: This variant is classified as likely benign based on ACMG/AMP sequence variant interpretation guidelines (Richards et al. 2015 PMID: 25741868, with internal and published modifications).

NM_001005498.4(RHBDF2):c.1005G>T (p.Arg335=)

Gene: RHBDF2 (rhomboid 5 homolog 2; minus strand). Cytogenetic location: 17q25.1.
Variant type: single nucleotide variant.
Coding change: c.1005G>T on transcript NM_001005498.4 (MANE Select); coding-DNA position 1005, G replaced by T.
Protein change: p.Arg335=; no amino-acid change (arginine 335 retained).
Molecular consequence: synonymous variant. On other transcripts: non-coding transcript variant (3).
Genome position (GRCh38, 1-based): chr17:76,476,940, C>A on the plus strand (G>T on the coding strand, the complement: RHBDF2 is on the minus strand). VCF-style: chr17-76476940-C-A. GRCh37 (hg19) VCF-style: chr17-74473022-C-A.
Other names: c.1005G>T, p.Arg335= (NM_001376228.1, NM_001376229.1, NM_001376230.1); c.1092G>T, p.Arg364= (NM_024599.5).
Identifiers: ClinVar variation 3047763 (VCV003047763.2), dbSNP rs142836136, ClinGen allele CA8787147.